The following is an entry in ClinVar:

ClinVar aggregate classification (germline): Uncertain significance (1 of 4 stars; one submission).

Conditions:
Autosomal recessive congenital ichthyosis 1 (LI1). Also called: COLLODION FETUS; DESQUAMATION OF NEWBORN; ICHTHYOSIS, CONGENITAL, AUTOSOMAL RECESSIVE 1, WITH BATHING SUIT DISTRIBUTION; ICHTHYOSIS CONGENITA; ICHTHYOSIS CONGENITA II; LAMELLAR EXFOLIATION OF NEWBORN. Identifiers: MedGen C4551630, MONDO:0009441, OMIM 242300.

Submission:

Myriad Genetics, Inc.
Classification: Uncertain significance for Autosomal recessive congenital ichthyosis 1. Last evaluated: 2026-02-03. Review status: criteria provided, single submitter. Criteria: Myriad Autosomal Dominant, Autosomal Recessive and X-Linked Classification Criteria (2023). Collection method: clinical testing. Allele origin: unknown.
Comment: NM_000359.2(TGM1):c.*4_*6delCGTinsTGC is a 3' non-coding variant classified as a variant of uncertain significance in the context of TGM1-related autosomal recessive congenital ichthyosis. c.*4_*6delCGTinsTGC has not been observed in cases with relevant disease. Relevant functional assessments of this variant are not available in the literature. c.*4_*6delCGTinsTGC has not been observed in referenced population frequency databases. In summary, there is insufficient evidence to classify NM_000359.2(TGM1):c.*4_*6delCGTinsTGC as pathogenic or benign. Please note: this variant was assessed in the context of healthy population screening.

NM_000359.3(TGM1):c.*4_*6delinsTGC

Gene: TGM1 (transglutaminase 1; minus strand). Cytogenetic location: 14q12.
Variant type: Indel.
Coding change: c.*4_*6delinsTGC on transcript NM_000359.3 (MANE Select); 4 bases downstream of the stop codon through 6 bases downstream of the stop codon, CGT replaced by TGC.
Molecular consequence: 3 prime UTR variant.
Genome position (GRCh38, 1-based): chr14:24,249,307-24,249,309, ACG replaced by GCA on the plus strand (CGT replaced by TGC on the coding strand, the reverse complement: TGM1 is on the minus strand). VCF-style: chr14-24249307-ACG-GCA. GRCh37 (hg19) VCF-style: chr14-24718513-ACG-GCA.
Identifiers: ClinVar variation 5004444 (VCV005004444.1).
Genomic context (GRCh38, chr14:24,249,307, plus strand): 5'-TGTGCCCCTATCTTGGGGCAATGTCCTTGCTCATCTGACTCCAGTCCCATTGCTCCTGGC[ACG>GCA]GGGCTAAGCTCCACCTCGAGATGCCATAGGGATGGTCTCTCCTAAGTGACTGTCACCTCC-3'